The following is an entry in ClinVar:

ClinVar aggregate classification (germline): Uncertain significance (1 of 4 stars; one submission).

Allele frequency attached by ClinVar (database versions not stated): gnomAD 0.00001; TOPMed 0.00002; 1000 Genomes Project 30x 0.00016.
gnomAD v4.1: 16 of 1,535,432 alleles (0.001%); highest among the groups gnomAD compares: East Asian, 0.0049%; no homozygotes.

Submission:

Labcorp Genetics (formerly Invitae), Labcorp
Classification: Uncertain significance. Last evaluated: 2025-12-24. Review status: criteria provided, single submitter. Criteria: Invitae Variant Classification Sherloc (09022015). Collection method: clinical testing. Allele origin: germline.
Comment: This sequence change replaces arginine, which is basic and polar, with cysteine, which is neutral and slightly polar, at codon 932 of the PDZD7 protein (p.Arg932Cys). This variant is present in population databases (no rsID available, gnomAD 0.02%). This variant has not been reported in the literature in individuals affected with PDZD7-related conditions. ClinVar contains an entry for this variant (Variation ID: 1494838). Experimental studies and prediction algorithms are not available or were not evaluated, and the functional significance of this variant is currently unknown. In summary, the available evidence is currently insufficient to determine the role of this variant in disease. Therefore, it has been classified as a Variant of Uncertain Significance.

NM_001195263.2(PDZD7):c.2794C>T (p.Arg932Cys)

Gene: PDZD7 (PDZ domain containing 7; minus strand). Cytogenetic location: 10q24.31.
Variant type: single nucleotide variant.
Coding change: c.2794C>T on transcript NM_001195263.2 (MANE Select); coding-DNA position 2794, C replaced by T.
Protein change: p.Arg932Cys; replaces arginine 932 with cysteine.
Molecular consequence: missense variant.
Genome position (GRCh38, 1-based): chr10:101,008,775, G>A on the plus strand (C>T on the coding strand, the complement: PDZD7 is on the minus strand). VCF-style: chr10-101008775-G-A. GRCh37 (hg19) VCF-style: chr10-102768532-G-A.
Other names: short protein forms R932C.
Identifiers: ClinVar variation 1494838 (VCV001494838.6), dbSNP rs1050568581, ClinGen allele CA212977366.
Genomic context (GRCh38, chr10:101,008,775, plus strand): 5'-GCCCGGGGACCCTGACCACAAGCTCCATGGGCTCCCGGGCCTTGTTTCGATAAGCCCGAC[G>A]GATGGTGTCTACTGCACGCTGGTGGGTCACCTGCTCTAGATTCTCTCCGTCCACTGCCAC-3'
Protein context (NP_001182192.1, residues 922-942): VTHQRAVDTI[Arg932Cys]RAYRNKAREP